The following is an entry in ClinVar:

NM_002506.3(NGF):c.202C>T (p.Arg68Cys)

Genes: NGF (nerve growth factor; minus strand), NGF-AS1 (NGF antisense RNA 1; plus strand). Cytogenetic location: 1p13.2.
Variant type: single nucleotide variant.
Coding change: c.202C>T on transcript NM_002506.3 (MANE Select); coding-DNA position 202, C replaced by T.
Protein change: p.Arg68Cys; replaces arginine 68 with cysteine.
Molecular consequence: missense variant.
Genome position (GRCh38, 1-based): chr1:115,286,594, G>A on the plus strand (C>T on the coding strand, the complement: NGF is on the minus strand). VCF-style: chr1-115286594-G-A. GRCh37 (hg19) VCF-style: chr1-115829215-G-A.
Other names: short protein forms R68C.
Identifiers: ClinVar variation 526750 (VCV000526750.12), dbSNP rs572066909, ClinGen allele CA1023028.

ClinVar aggregate classification (germline): Uncertain significance. Review status: criteria provided, multiple submitters, no conflicts (2 of 4 stars). 4 submissions from 4 submitters: Uncertain significance (4). Last evaluated 2025-07-14.

Conditions:
Inborn genetic diseases. Identifiers: MedGen C0950123, MeSH D030342.
Congenital sensory neuropathy with selective loss of small myelinated fibers (HSAN5). Also called: HSAN Type V. Identifiers: Orphanet 64752, MedGen C0020075, MONDO:0012092, OMIM 608654.

Allele frequency attached by ClinVar (database versions not stated): 1000 Genomes Project below 0.00001; gnomAD below 0.00001 and 0.00001; TOPMed 0.00002.

Submissions (4):

Ambry Genetics
Classification: Uncertain significance for Inborn genetic diseases. Last evaluated: 2025-07-14. Review status: criteria provided, single submitter. Criteria: Ambry Variant Classification Scheme 2023. Collection method: clinical testing. Allele origin: germline.

Genome-Nilou Lab
Classification: Uncertain significance for Congenital sensory neuropathy with selective loss of small myelinated fibers. Last evaluated: 2023-04-11. Review status: criteria provided, single submitter. Criteria: ACMG Guidelines, 2015. Collection method: clinical testing. Allele origin: germline. Affected: no.

Labcorp Genetics (formerly Invitae), Labcorp
Classification: Uncertain significance for Congenital sensory neuropathy with selective loss of small myelinated fibers. Last evaluated: 2021-09-01. Review status: criteria provided, single submitter. Criteria: Invitae Variant Classification Sherloc (09022015). Collection method: clinical testing. Allele origin: germline.
Comment: This sequence change replaces arginine with cysteine at codon 68 of the NGF protein (p.Arg68Cys). The arginine residue is moderately conserved and there is a large physicochemical difference between arginine and cysteine. This variant is present in population databases (rs572066909, ExAC 0.01%). This variant has not been reported in the literature in individuals affected with NGF-related conditions. Algorithms developed to predict the effect of missense changes on protein structure and function output the following: SIFT: "Deleterious"; PolyPhen-2: "Benign"; Align-GVGD: "Class C0". The cysteine amino acid residue is found in multiple mammalian species, which suggests that this missense change does not adversely affect protein function. In summary, the available evidence is currently insufficient to determine the role of this variant in disease. Therefore, it has been classified as a Variant of Uncertain Significance.

Revvity Omics, Revvity
Classification: Uncertain significance for Congenital sensory neuropathy with selective loss of small myelinated fibers. Last evaluated: 2021-02-01. Review status: criteria provided, single submitter. Criteria: ACMG Guidelines, 2015. Collection method: clinical testing. Allele origin: germline.